The following is an entry in ClinVar:

ClinVar aggregate classification (germline): Uncertain significance (1 of 4 stars; one submission).

Conditions:
Familial adenomatous polyposis 1 (FAP1). Also called: POLYPOSIS, ADENOMATOUS INTESTINAL; FAMILIAL ADENOMATOUS POLYPOSIS 1, ATTENUATED. Identifiers: MedGen C2713442, MONDO:0021056, OMIM 175100. Disease mechanism: loss of function.

Submission:

Labcorp Genetics (formerly Invitae), Labcorp
Classification: Uncertain significance for Familial adenomatous polyposis 1. Last evaluated: 2025-08-04. Review status: criteria provided, single submitter. Criteria: Invitae Variant Classification Sherloc (09022015). Collection method: clinical testing. Allele origin: germline.
Comment: This variant occurs in a non-coding region of the APC gene. It does not change the encoded amino acid sequence of the APC protein. This variant is not present in population databases (gnomAD no frequency). This variant has not been reported in the literature in individuals affected with APC-related conditions. Experimental studies and prediction algorithms are not available or were not evaluated, and the functional significance of this variant is currently unknown. In summary, the available evidence is currently insufficient to determine the role of this variant in disease. Therefore, it has been classified as a Variant of Uncertain Significance.

NC_000005.10:g.112707426A>T

Gene: APC (APC regulator of Wnt signaling pathway; plus strand). Cytogenetic location: 5q22.2.
Variant type: single nucleotide variant.
Genome position: GRCh38 VCF-style: chr5-112707426-A-T. GRCh37 (hg19) VCF-style: chr5-112043123-A-T.
Identifiers: ClinVar variation 2168359 (VCV002168359.5), dbSNP rs2531732662, ClinGen allele CA2580072242.